The following is an entry in ClinVar:

NM_001424.6(EMP2):c.69C>T (p.Thr23=)

Gene: EMP2 (epithelial membrane protein 2; minus strand). Cytogenetic location: 16p13.13.
Variant type: single nucleotide variant.
Coding change: c.69C>T on transcript NM_001424.6 (MANE Select); coding-DNA position 69, C replaced by T.
Protein change: p.Thr23=; no amino-acid change (threonine 23 retained).
Molecular consequence: synonymous variant.
Genome position (GRCh38, 1-based): chr16:10,547,549, G>A on the plus strand (C>T on the coding strand, the complement: EMP2 is on the minus strand). VCF-style: chr16-10547549-G-A. GRCh37 (hg19) VCF-style: chr16-10641406-G-A.
Identifiers: ClinVar variation 4681567 (VCV004681567.6).
Genomic context (GRCh38, chr16:10,547,549, plus strand): 5'-ATTGACTGCAGGACCCAGGTTTCTGCGTGAGTGGCAGGAAAGGAAACTTACATTGTCGAC[G>A]GTGGCAATGAACAGCAAGGCTGCAGAGGTGATGTGGAAGGCGATGATGAAAGCAAGAAGC-3'
Protein context (NP_001415.1, residues 13-33): ITSAALLFIA[Thr23=]VDNAWWVGDE

ClinVar aggregate classification (germline): Likely benign. Review status: criteria provided, multiple submitters, no conflicts (2 of 4 stars). 2 submissions from 2 submitters: Likely benign (2). Last evaluated 2025-12-01.

gnomAD v4.1: 29 of 1,613,960 alleles (0.0018%); highest among the groups gnomAD compares: East Asian, 0.0045%; no homozygotes.

Submissions (2):

CeGaT Center for Human Genetics Tuebingen
Classification: Likely benign. Last evaluated: 2025-12-01. Review status: criteria provided, single submitter. Criteria: CeGaT Center For Human Genetics Tuebingen Variant Classification Criteria Version 2. Collection method: clinical testing. Allele origin: germline. Affected: yes. Observed: 1 variant allele.
Comment: EMP2: BP4, BP7

Labcorp Genetics (formerly Invitae), Labcorp
Classification: Likely benign. Last evaluated: 2025-02-23. Review status: criteria provided, single submitter. Criteria: Invitae Variant Classification Sherloc (09022015). Collection method: clinical testing. Allele origin: germline.